The following is an entry in ClinVar:

ClinVar aggregate classification (germline): Uncertain significance (1 of 4 stars; one submission).

Allele frequency attached by ClinVar (database versions not stated): gnomAD 0.00001.
gnomAD v4.1: 2 of 1,609,678 alleles (0.00012%); highest among the groups gnomAD compares: South Asian, 0.0022%; 1 homozygote.

Submission:

Ambry Genetics
Classification: Uncertain significance. Last evaluated: 2023-06-07. Review status: criteria provided, single submitter. Criteria: Ambry Variant Classification Scheme 2023. Collection method: clinical testing. Allele origin: germline.
Comment: The p.Y30H variant (also known as c.88T>C), located in coding exon 3 of the BUB1 gene, results from a T to C substitution at nucleotide position 88. The tyrosine at codon 30 is replaced by histidine, an amino acid with similar properties. This amino acid position is conserved. In addition, the in silico prediction for this alteration is inconclusive. Since supporting evidence is limited at this time, the clinical significance of this alteration remains unclear.

NM_004336.5(BUB1):c.88T>C (p.Tyr30His)

Gene: BUB1 (BUB1 mitotic checkpoint serine/threonine kinase; minus strand). Cytogenetic location: 2q13.
Variant type: single nucleotide variant.
Coding change: c.88T>C on transcript NM_004336.5 (MANE Select); coding-DNA position 88, T replaced by C.
Protein change: p.Tyr30His; replaces tyrosine 30 with histidine.
Molecular consequence: missense variant.
Genome position (GRCh38, 1-based): chr2:110,674,223, A>G on the plus strand (T>C on the coding strand, the complement: BUB1 is on the minus strand). VCF-style: chr2-110674223-A-G. GRCh37 (hg19) VCF-style: chr2-111431800-A-G.
Other names: c.28T>C, p.Tyr10His (NM_001278616.2); c.88T>C, p.Tyr30His (NM_001278617.2); short protein forms Y10H, Y30H.
Identifiers: ClinVar variation 2565825 (VCV002565825.2), dbSNP rs1690510729, ClinGen allele CA348221586.